The following is an entry in ClinVar:

NM_006269.2(RP1):c.260G>A (p.Arg87Gln)

Gene: RP1 (RP1 axonemal microtubule associated; plus strand). Cytogenetic location: 8q12.1.
Variant type: single nucleotide variant.
Coding change: c.260G>A on transcript NM_006269.2 (MANE Select); coding-DNA position 260, G replaced by A.
Protein change: p.Arg87Gln; replaces arginine 87 with glutamine.
Molecular consequence: missense variant.
Genome position (GRCh38, 1-based): chr8:54,621,226, G>A. VCF-style: chr8-54621226-G-A. GRCh37 (hg19) VCF-style: chr8-55533786-G-A.
Other names: c.260G>A, p.Arg87Gln (NM_001375654.1); short protein forms R87Q.
Identifiers: ClinVar variation 4976539 (VCV004976539.1).
Genomic context (GRCh38, chr8:54,621,226, plus strand): 5'-TGGATAACTTGTCCAGGAAGGTGCCCCTCCCTTTTGGAGTGAGGAACATCAGCACCCCTC[G>A]GGGCAGGCACAGCATCACGCGCCTGGAGGAGCTGGAGGACGGCGAGTCCTACCTATGTTC-3'
Protein context (NP_006260.1, residues 77-97): PFGVRNISTP[Arg87Gln]GRHSITRLEE

ClinVar aggregate classification (germline): Uncertain significance (1 of 4 stars; one submission).

gnomAD v4.1: 5 of 1,613,996 alleles (0.00031%); highest among the groups gnomAD compares: Non-Finnish European, 0.00042%; no homozygotes.

Submission:

GeneDx
Classification: Uncertain significance. Last evaluated: 2026-02-10. Review status: criteria provided, single submitter. Criteria: GeneDx Variant Classification Process June 2021. Collection method: clinical testing. Allele origin: germline.
Comment: Not observed at significant frequency in large population cohorts (gnomAD); In silico analysis supports that this missense variant has a deleterious effect on protein structure/function; Has not been previously published as pathogenic or benign to our knowledge